The following is an entry in ClinVar:

NM_016507.4(CDK12):c.4357T>C (p.Ser1453Pro)

Gene: CDK12 (cyclin dependent kinase 12; plus strand). Cytogenetic location: 17q12.
Variant type: single nucleotide variant.
Coding change: c.4357T>C on transcript NM_016507.4 (MANE Select); coding-DNA position 4357, T replaced by C.
Protein change: p.Ser1453Pro; replaces serine 1453 with proline.
Molecular consequence: missense variant.
Genome position (GRCh38, 1-based): chr17:39,531,200, T>C. VCF-style: chr17-39531200-T-C. GRCh37 (hg19) VCF-style: chr17-37687453-T-C.
Other names: c.4330T>C, p.Ser1444Pro (NM_015083.4); short protein forms S1444P, S1453P.
Identifiers: ClinVar variation 4868529 (VCV004868529.1).
Genomic context (GRCh38, chr17:39,531,200, plus strand): 5'-GCAGAGACCAAATTGCAAAACTATGGGGAGCTGGGGCCAGGAACCACTGGGGCCAGCAGC[T>C]CAGGAGCAGGCCTTCACTGGGGGGGCCCAACTCAGTCTTCTGCTTATGGAAAACTCTATC-3'
Protein context (NP_057591.2, residues 1443-1463): LGPGTTGASS[Ser1453Pro]GAGLHWGGPT

ClinVar aggregate classification (germline): Uncertain significance (1 of 4 stars; one submission).

gnomAD v4.1: 2 of 1,519,686 alleles (0.00013%); highest among the groups gnomAD compares: Non-Finnish European, 0.00018%; no homozygotes.

Submission:

Ambry Genetics
Classification: Uncertain significance. Last evaluated: 2026-05-14. Review status: criteria provided, single submitter. Criteria: Ambry Variant Classification Scheme 2023. Collection method: clinical testing. Allele origin: germline.
Comment: The p.S1453P variant (also known as c.4357T>C), located in coding exon 14 of the CDK12 gene, results from a T to C substitution at nucleotide position 4357. The serine at codon 1453 is replaced by proline, an amino acid with similar properties. This amino acid position is conserved. In addition, this alteration is predicted to be tolerated by in silico analysis. Based on the available evidence, the clinical significance of this variant remains unclear.